The following is an entry in ClinVar:

NM_152564.5(VPS13B):c.2405G>T (p.Arg802Ile)

Gene: VPS13B (vacuolar protein sorting 13 homolog B; plus strand). Cytogenetic location: 8q22.2.
Variant type: single nucleotide variant.
Coding change: c.2405G>T on transcript NM_152564.5 (MANE Select); coding-DNA position 2405, G replaced by T.
Protein change: p.Arg802Ile; replaces arginine 802 with isoleucine.
Molecular consequence: missense variant.
Genome position (GRCh38, 1-based): chr8:99,192,947, G>T. VCF-style: chr8-99192947-G-T. GRCh37 (hg19) VCF-style: chr8-100205175-G-T.
Other names: c.2405G>T, p.Arg802Ile (NM_015243.3, NM_017890.5); short protein forms R802I.
Identifiers: ClinVar variation 4978468 (VCV004978468.1).
Genomic context (GRCh38, chr8:99,192,947, plus strand): 5'-CTCAGATTGCTATAACTGAAGGTATATTTGAACTTCCAAATCTCACAATTCAAGCTACAA[G>T]AGCACAGACACTTCTCTTGCAAGCAATATATCAAAGTTGGTCTCATCTTGGAAATGTCAG-3'
Protein context (NP_689777.3, residues 792-812): ELPNLTIQAT[Arg802Ile]AQTLLLQAIY

ClinVar aggregate classification (germline): Uncertain significance (1 of 4 stars; one submission).

Conditions:
VPS13B-related disorder. Also called: VPS13B-related condition.

Submission:

PreventionGenetics, part of Exact Sciences
Classification: Uncertain significance for VPS13B-related condition. Last evaluated: 2026-09-09. Review status: criteria provided, single submitter. Criteria: ACMG Guidelines, 2015. Collection method: clinical testing. Allele origin: germline.
Comment: The VPS13B c.2405G>T variant is predicted to result in the amino acid substitution p.Arg802Ile. To our knowledge, this variant has not been reported in the literature or in a large population database (gnomAD), indicating this variant is rare. At this time, the clinical significance of this variant is uncertain due to the absence of conclusive functional and genetic evidence.